The following is an entry in ClinVar:

ClinVar aggregate classification (germline): Uncertain significance (1 of 4 stars; one submission).

Conditions:
Long QT syndrome (LQTS). Identifiers: MedGen C0023976, MeSH D008133, MONDO:0002442. Disease mechanism: loss of function. Inheritance: Various modes of inheritance.

Allele frequency attached by ClinVar (database versions not stated): TOPMed below 0.00001.

Submission:

Labcorp Genetics (formerly Invitae), Labcorp
Classification: Uncertain significance for Long QT syndrome. Last evaluated: 2023-09-11. Review status: criteria provided, single submitter. Criteria: Invitae Variant Classification Sherloc (09022015). Collection method: clinical testing. Allele origin: germline.
Comment: In summary, the available evidence is currently insufficient to determine the role of this variant in disease. Therefore, it has been classified as a Variant of Uncertain Significance. An algorithm developed to predict the effect of missense changes on protein structure and function (PolyPhen-2) suggests that this variant is likely to be tolerated. This variant has not been reported in the literature in individuals affected with ANK2-related conditions. This variant is not present in population databases (gnomAD no frequency). This sequence change replaces serine, which is neutral and polar, with tyrosine, which is neutral and polar, at codon 2834 of the ANK2 protein (p.Ser2834Tyr).

NM_001148.6(ANK2):c.8501C>A (p.Ser2834Tyr)

Gene: ANK2 (ankyrin 2; plus strand). Cytogenetic location: 4q26.
Variant type: single nucleotide variant.
Coding change: c.8501C>A on transcript NM_001148.6 (MANE Select); coding-DNA position 8501, C replaced by A.
Protein change: p.Ser2834Tyr; replaces serine 2834 with tyrosine.
Molecular consequence: missense variant. On other transcripts: intron variant (68).
Genome position (GRCh38, 1-based): chr4:113,357,119, C>A. VCF-style: chr4-113357119-C-A. GRCh37 (hg19) VCF-style: chr4-114278275-C-A.
Other names: c.8267C>A, p.Ser2756Tyr (NM_001386142.1); c.4901C>A, p.Ser1634Tyr (NM_001386166.1); c.8642C>A, p.Ser2881Tyr (NM_001386174.1); c.8618C>A, p.Ser2873Tyr (NM_001386175.1); c.4412-3704C>A (NM_001386186.2, NM_001386148.2); c.4214-3704C>A (NM_001354269.3); c.4292-3704C>A (NM_001386187.2); c.4253-3704C>A (NM_001386147.1); and 35 more; short protein forms S2873Y, S2756Y, S1634Y, S2881Y, S2834Y.
Identifiers: ClinVar variation 2816808 (VCV002816808.3), dbSNP rs2095837571, ClinGen allele CA357934194.